The following is an entry in ClinVar:

ClinVar aggregate classification (germline): Uncertain significance (1 of 4 stars; one submission).

Submission:

Labcorp Genetics (formerly Invitae), Labcorp
Classification: Uncertain significance. Last evaluated: 2025-06-24. Review status: criteria provided, single submitter. Criteria: Invitae Variant Classification Sherloc (09022015). Collection method: clinical testing. Allele origin: germline.
Comment: This variant, c.2581_2586del, results in the deletion of 2 amino acid(s) of the AP3D1 protein (p.Lys861_Lys862del), but otherwise preserves the integrity of the reading frame. The frequency data for this variant in the population databases is considered unreliable, as metrics indicate poor data quality at this position in the gnomAD database. This variant has not been reported in the literature in individuals affected with AP3D1-related conditions. Experimental studies and prediction algorithms are not available or were not evaluated, and the functional significance of this variant is currently unknown. In summary, the available evidence is currently insufficient to determine the role of this variant in disease. Therefore, it has been classified as a Variant of Uncertain Significance.

NM_001261826.3(AP3D1):c.2578AAG[1] (p.Lys861_Lys862del)

Gene: AP3D1 (adaptor related protein complex 3 subunit delta 1; minus strand). Cytogenetic location: 19p13.3.
Variant type: Microsatellite.
Coding change: c.2578AAG[1] on transcript NM_001261826.3 (MANE Select); one copy of the 3-base unit AAG starting at c.2578; the reference has three copies in a row; two copies, 6 bases deleted.
Protein change: p.Lys861_Lys862del.
Molecular consequence: inframe deletion.
Genome position (GRCh38, 1-based): chr19:2,114,140-2,114,145, CTTCTT deleted on the plus strand (AAGAAG on the coding strand, the reverse complement: AP3D1 is on the minus strand); deleting any 6 consecutive bases within chr19:2,114,140-2,114,150 gives the same sequence; the position shown is the placement nearest the transcript's 3' end. VCF-style (leftmost placement, unchanged base first): chr19-2114139-CCTTCTT-C. GRCh37 (hg19) VCF-style: chr19-2114138-CCTTCTT-C.
Other names: c.2578AAG[1], p.Lys861_Lys862del (NM_001374799.1, NM_003938.8).
Identifiers: ClinVar variation 2190311 (VCV002190311.4), dbSNP rs1325272641, ClinGen allele CA631305102.